The following is an entry in ClinVar:

NM_001110556.2(FLNA):c.5398A>G (p.Lys1800Glu)

Gene: FLNA (filamin A; minus strand). Cytogenetic location: Xq28.
Variant type: single nucleotide variant.
Coding change: c.5398A>G on transcript NM_001110556.2 (MANE Select); coding-DNA position 5398, A replaced by G.
Protein change: p.Lys1800Glu; replaces lysine 1800 with glutamic acid.
Molecular consequence: missense variant.
Genome position (GRCh38, 1-based): chrX:154,354,399, T>C on the plus strand (A>G on the coding strand, the complement: FLNA is on the minus strand). VCF-style: chrX-154354399-T-C. GRCh37 (hg19) VCF-style: chrX-153582767-T-C.
Other names: c.5374A>G, p.Lys1792Glu (NM_001456.4); short protein forms K1792E, K1800E.
Identifiers: ClinVar variation 4845057 (VCV004845057.1).

ClinVar aggregate classification (germline): Uncertain significance (1 of 4 stars; one submission).

Conditions:
Familial thoracic aortic aneurysm and aortic dissection (TAAD). Also called: Thoracic aortic aneurysms and dissections. Identifiers: Orphanet 91387, MedGen C4707243, MONDO:0019625.

Submission:

Ambry Genetics
Classification: Uncertain significance for Familial thoracic aortic aneurysm and aortic dissection. Last evaluated: 2026-02-19. Review status: criteria provided, single submitter. Criteria: Ambry Variant Classification Scheme 2023. Collection method: clinical testing. Allele origin: germline.
Comment: The p.K1792E variant (also known as c.5374A>G), located in coding exon 31 of the FLNA gene, results from an A to G substitution at nucleotide position 5374. The lysine at codon 1792 is replaced by glutamic acid, an amino acid with similar properties. This amino acid position is conserved. In addition, this alteration is predicted to be tolerated by in silico analysis. Based on the available evidence, the clinical significance of this variant remains unclear.